The following is an entry in ClinVar:

NM_001162501.2(TNRC6B):c.5083G>A (p.Glu1695Lys)

Gene: TNRC6B (trinucleotide repeat containing adaptor 6B; plus strand). Cytogenetic location: 22q13.1.
Variant type: single nucleotide variant.
Coding change: c.5083G>A on transcript NM_001162501.2 (MANE Select); coding-DNA position 5083, G replaced by A.
Protein change: p.Glu1695Lys; replaces glutamic acid 1695 with lysine.
Molecular consequence: missense variant.
Genome position (GRCh38, 1-based): chr22:40,321,198, G>A. VCF-style: chr22-40321198-G-A. GRCh37 (hg19) VCF-style: chr22-40717202-G-A.
Other names: c.2671G>A, p.Glu891Lys (NM_001024843.2); c.4753G>A, p.Glu1585Lys (NM_015088.3); short protein forms E1585K, E1695K, E891K.
Identifiers: ClinVar variation 3372468 (VCV003372468.1).

ClinVar aggregate classification (germline): Uncertain significance (1 of 4 stars; one submission).

Submission:

GeneDx
Classification: Uncertain significance. Last evaluated: 2024-04-18. Review status: criteria provided, single submitter. Criteria: GeneDx Variant Classification Process June 2021. Collection method: clinical testing. Allele origin: germline. Affected: yes.
Comment: Not observed at significant frequency in large population cohorts (gnomAD); In silico analysis supports that this missense variant has a deleterious effect on protein structure/function; Has not been previously published as pathogenic or benign to our knowledge.